The following is an entry in ClinVar:

NM_000089.4(COL1A2):c.3368G>A (p.Arg1123His)

Gene: COL1A2 (collagen type I alpha 2 chain; plus strand). Cytogenetic location: 7q21.3.
Variant type: single nucleotide variant.
Coding change: c.3368G>A on transcript NM_000089.4 (MANE Select); coding-DNA position 3368, G replaced by A.
Protein change: p.Arg1123His; replaces arginine 1123 with histidine.
Molecular consequence: missense variant.
Genome position (GRCh38, 1-based): chr7:94,427,727, G>A. VCF-style: chr7-94427727-G-A. GRCh37 (hg19) VCF-style: chr7-94057039-G-A.
Other names: p.Arg1123His; short protein forms R1123H.
Identifiers: ClinVar variation 665717 (VCV000665717.14), dbSNP rs145541630, ClinGen allele CA4347745.

ClinVar aggregate classification (germline): Uncertain significance. Review status: criteria provided, multiple submitters, no conflicts (2 of 4 stars). 4 submissions from 4 submitters: Uncertain significance (4). Last evaluated 2025-12-31.

Conditions:
Osteogenesis imperfecta type I (OI1). Also called: OI, TYPE I; OSTEOGENESIS IMPERFECTA TARDA; OSTEOGENESIS IMPERFECTA WITH BLUE SCLERAE; Osteogenesis imperfecta type 1; Classic Non-deforming Osteogenesis Imperfecta with Blue Sclerae; Lobstein's Disease. Identifiers: Orphanet 216796, Orphanet 666, MedGen C0023931, MONDO:0008146, OMIM 166200. Disease mechanism: loss of function.
Ehlers-Danlos syndrome, classic type, 1 (EDSCL1). Also called: EDS I; EHLERS-DANLOS SYNDROME, GRAVIS TYPE; EHLERS-DANLOS SYNDROME, SEVERE CLASSIC TYPE; Ehlers-Danlos Syndrome, Classic Type, COL5A1-Related; Ehlers-Danlos syndrome, type 1. Identifiers: MedGen C0268335, MONDO:0019567, OMIM 130000.
Cardiovascular phenotype. Identifiers: MedGen CN230736.

Allele frequency attached by ClinVar (database versions not stated): 1000 Genomes Project 30x 0.00016; 1000 Genomes Project 0.00020; ESP Exome Variant Server 0.00008; TOPMed 0.00001.
gnomAD v4.1: 15 of 1,614,040 alleles (0.00093%); highest among the groups gnomAD compares: South Asian, 0.0044%; no homozygotes.

Submissions (4):

Ambry Genetics
Classification: Uncertain significance for Cardiovascular phenotype. Last evaluated: 2025-12-31. Review status: criteria provided, single submitter. Criteria: Ambry Variant Classification Scheme 2023. Collection method: clinical testing. Allele origin: germline.

Labcorp Genetics (formerly Invitae), Labcorp
Classification: Uncertain significance for Osteogenesis imperfecta type I; Ehlers-Danlos syndrome, classic type, 1. Last evaluated: 2025-12-13. Review status: criteria provided, single submitter. Criteria: Invitae Variant Classification Sherloc (09022015). Collection method: clinical testing. Allele origin: germline.
Comment: This sequence change replaces arginine, which is basic and polar, with histidine, which is basic and polar, at codon 1123 of the COL1A2 protein (p.Arg1123His). This variant is present in population databases (rs145541630, gnomAD 0.006%). This variant has not been reported in the literature in individuals affected with COL1A2-related conditions. ClinVar contains an entry for this variant (Variation ID: 665717). Invitae Evidence Modeling of protein sequence and biophysical properties (such as structural, functional, and spatial information, amino acid conservation, physicochemical variation, residue mobility, and thermodynamic stability) indicates that this missense variant is not expected to disrupt COL1A2 protein function with a negative predictive value of 80%. In summary, the available evidence is currently insufficient to determine the role of this variant in disease. Therefore, it has been classified as a Variant of Uncertain Significance.

Mayo Clinic Laboratories, Mayo Clinic
Classification: Uncertain significance. Last evaluated: 2025-10-21. Review status: criteria provided, single submitter. Criteria: ACMG Guidelines, 2015. Collection method: clinical testing. Allele origin: germline. Observed: 1 variant allele.

GeneDx
Classification: Uncertain significance. Last evaluated: 2021-08-16. Review status: criteria provided, single submitter. Criteria: GeneDx Variant Classification Process June 2021. Collection method: clinical testing. Allele origin: germline. Affected: yes.
Comment: Not observed at a significant frequency in large population cohorts (Lek et al., 2016); In silico analysis supports that this missense variant does not alter protein structure/function; Not located in the triple helical region, where the majority of pathogenic missense variants occur (Stenson et al., 2014); Has not been previously published as pathogenic or benign to our knowledge